The following is an entry in ClinVar:

ClinVar aggregate classification (germline): Uncertain significance (1 of 4 stars; one submission).

Allele frequency attached by ClinVar (database versions not stated): ExAC 0.00002; gnomAD exomes 0.00002 and 0.00003; TOPMed 0.00004; ESP Exome Variant Server 0.00009.

Submission:

Labcorp Genetics (formerly Invitae), Labcorp
Classification: Uncertain significance. Last evaluated: 2021-09-10. Review status: criteria provided, single submitter. Criteria: Invitae Variant Classification Sherloc (09022015). Collection method: clinical testing. Allele origin: germline.
Comment: This variant has not been reported in the literature in individuals affected with NDUFB11-related conditions. Algorithms developed to predict the effect of missense changes on protein structure and function (SIFT, PolyPhen-2, Align-GVGD) all suggest that this variant is likely to be disruptive. In summary, the available evidence is currently insufficient to determine the role of this variant in disease. Therefore, it has been classified as a Variant of Uncertain Significance. This variant is present in population databases (rs368074350, ExAC 0.02%). This sequence change replaces arginine with cysteine at codon 130 of the NDUFB11 protein (p.Arg130Cys). The arginine residue is highly conserved and there is a large physicochemical difference between arginine and cysteine.

NM_001135998.3(NDUFB11):c.358C>T (p.Arg120Cys)

Gene: NDUFB11 (NADH:ubiquinone oxidoreductase subunit B11; minus strand). Cytogenetic location: Xp11.3.
Variant type: single nucleotide variant.
Coding change: c.358C>T on transcript NM_001135998.3 (MANE Select); coding-DNA position 358, C replaced by T.
Protein change: p.Arg120Cys; replaces arginine 120 with cysteine.
Molecular consequence: missense variant.
Genome position (GRCh38, 1-based): chrX:47,142,421, G>A on the plus strand (C>T on the coding strand, the complement: NDUFB11 is on the minus strand). VCF-style: chrX-47142421-G-A. GRCh37 (hg19) VCF-style: chrX-47001820-G-A.
Other names: c.388C>T, p.Arg130Cys (NM_019056.7); short protein forms R120C, R130C.
Identifiers: ClinVar variation 1409269 (VCV001409269.6), dbSNP rs368074350, ClinGen allele CA10394886.